The following is an entry in ClinVar:

NM_000548.5(TSC2):c.2545+3G>A

Gene: TSC2 (TSC complex subunit 2; plus strand). Cytogenetic location: 16p13.3.
Variant type: single nucleotide variant.
Coding change: c.2545+3G>A on transcript NM_000548.5 (MANE Select); 3 bases into the intron after coding-DNA position 2545, G replaced by A.
Molecular consequence: intron variant.
Genome position (GRCh38, 1-based): chr16:2,074,392, G>A. VCF-style: chr16-2074392-G-A. GRCh37 (hg19) VCF-style: chr16-2124393-G-A.
Other names: c.2545+3G>A (NM_001114382.3, NM_021055.3, NM_001370405.1 and 3 more transcripts); c.2434+3G>A (NM_001318827.2); c.1945+3G>A (NM_001318831.2); c.2398+3G>A (NM_001318829.2); c.2578+3G>A (NM_001318832.2).
Identifiers: ClinVar variation 888041 (VCV000888041.5), dbSNP rs2088950824, ClinGen allele CA1139664315.

ClinVar aggregate classification (germline): Conflicting classifications of pathogenicity. Review status: criteria provided, conflicting classifications (1 of 4 stars). 2 submissions from 2 submitters: Uncertain significance (1); Likely benign (1). Last evaluated 2025-05-20.

Conditions:
Tuberous sclerosis syndrome (TSC). Also called: Tuberous Sclerosis Complex; Tuberous sclerosis. Identifiers: Orphanet 805, MedGen C0041341, MONDO:0001734.
Tuberous sclerosis 2 (TSC2). Identifiers: Orphanet 805, MedGen C1860707, MONDO:0013199, OMIM 613254.

Submissions (2):

Myriad Genetics, Inc.
Classification: Likely benign for Tuberous sclerosis 2. Last evaluated: 2025-05-20. Review status: criteria provided, single submitter. Criteria: Myriad Autosomal Dominant, Autosomal Recessive and X-Linked Classification Criteria (2023). Collection method: clinical testing. Allele origin: unknown.
Comment: This variant is considered likely benign. This variant is intronic and is not expected to impact mRNA splicing.

Illumina Laboratory Services, Illumina
Classification: Uncertain significance for Tuberous sclerosis syndrome. Last evaluated: 2018-03-16. Review status: criteria provided, single submitter. Criteria: ICSL Variant Classification Criteria 13 December 2019. Collection method: clinical testing. Allele origin: germline.